The following is an entry in ClinVar:

ClinVar aggregate classification (germline): Uncertain significance (1 of 4 stars; one submission).

Conditions:
Hereditary nonpolyposis colorectal neoplasms. Identifiers: MedGen C0009405, MeSH D003123.

Submission:

Labcorp Genetics (formerly Invitae), Labcorp
Classification: Uncertain significance for Hereditary nonpolyposis colorectal neoplasms. Last evaluated: 2022-08-16. Review status: criteria provided, single submitter. Criteria: Invitae Variant Classification Sherloc (09022015). Collection method: clinical testing. Allele origin: germline.
Comment: This sequence change replaces threonine, which is neutral and polar, with isoleucine, which is neutral and non-polar, at codon 750 of the MSH6 protein (p.Thr750Ile). This variant has not been reported in the literature in individuals affected with MSH6-related conditions. This variant is not present in population databases (gnomAD no frequency). In summary, the available evidence is currently insufficient to determine the role of this variant in disease. Therefore, it has been classified as a Variant of Uncertain Significance. Advanced modeling of protein sequence and biophysical properties (such as structural, functional, and spatial information, amino acid conservation, physicochemical variation, residue mobility, and thermodynamic stability) performed at Invitae indicates that this missense variant is not expected to disrupt MSH6 protein function. ClinVar contains an entry for this variant (Variation ID: 1517881).

NM_000179.3(MSH6):c.2249C>T (p.Thr750Ile)

Gene: MSH6 (mutS homolog 6; plus strand). Cytogenetic location: 2p16.3.
Variant type: single nucleotide variant.
Coding change: c.2249C>T on transcript NM_000179.3 (MANE Select); coding-DNA position 2249, C replaced by T.
Protein change: p.Thr750Ile; replaces threonine 750 with isoleucine.
Molecular consequence: missense variant.
Genome position (GRCh38, 1-based): chr2:47,800,232, C>T. VCF-style: chr2-47800232-C-T. GRCh37 (hg19) VCF-style: chr2-48027371-C-T.
Other names: c.1859C>T, p.Thr620Ile (NM_001281492.2); c.1343C>T, p.Thr448Ile (NM_001281493.2, NM_001281494.2); short protein forms T448I, T620I, T750I.
Identifiers: ClinVar variation 1517881 (VCV001517881.6), dbSNP rs730881817, ClinGen allele CA346752657.